The following is an entry in ClinVar:

ClinVar aggregate classification (germline): Likely benign. Review status: criteria provided, multiple submitters, no conflicts (2 of 4 stars). 8 submissions from 8 submitters: Likely benign (8). Last evaluated 2025-10-02.

Conditions:
Cardiovascular phenotype. Identifiers: MedGen CN230736.
Cardiomyopathy (CMYO). Also called: Cardiomyopathies. Identifiers: Orphanet 167848, MedGen C0878544, MONDO:0004994, HP:0001638. Inheritance: Various modes of inheritance.
Catecholaminergic polymorphic ventricular tachycardia (CVPT). Also called: Catecholamine-induced polymorphic ventricular tachycardia. Identifiers: Orphanet 3286, MedGen C5574922, MONDO:0017990.
Catecholaminergic polymorphic ventricular tachycardia 1. Also called: RYR2-Related Catecholaminergic Polymorphic Ventricular Tachycardia; VENTRICULAR TACHYCARDIA, STRESS-INDUCED POLYMORPHIC 1; VENTRICULAR TACHYCARDIA, CATECHOLAMINERGIC POLYMORPHIC, 1, WITH OR WITHOUT ATRIAL DYSFUNCTION AND/OR DILATED CARDIOMYOPATHY. Identifiers: Orphanet 3286, MedGen C1631597, MONDO:0011484, OMIM 604772.

Allele frequency attached by ClinVar (database versions not stated): gnomAD exomes 0.00001 and 0.00002; ExAC 0.00002; ESP Exome Variant Server 0.00008; TOPMed 0.00008; gnomAD 0.00009 and 0.00010; 1000 Genomes Project 30x 0.00016; 1000 Genomes Project 0.00020.
gnomAD v4.1: 40 of 1,613,862 alleles (0.0025%); highest among the groups gnomAD compares: African/African-American, 0.039%; no homozygotes.

Submissions (8):

Labcorp Genetics (formerly Invitae), Labcorp
Classification: Likely benign for Catecholaminergic polymorphic ventricular tachycardia 1. Last evaluated: 2025-10-02. Review status: criteria provided, single submitter. Criteria: Invitae Variant Classification Sherloc (09022015). Collection method: clinical testing. Allele origin: germline.

Molecular Diagnostic Laboratory for Inherited Cardiovascular Disease, Montreal Heart Institute
Classification: Likely benign. Last evaluated: 2025-04-09. Review status: criteria provided, single submitter. Criteria: ACMG Guidelines, 2015. Collection method: clinical testing. Allele origin: germline. Affected: no.

All of Us Research Program, National Institutes of Health
Classification: Likely benign for Catecholaminergic polymorphic ventricular tachycardia. Last evaluated: 2023-12-01. Review status: criteria provided, single submitter. Criteria: ACMG Guidelines, 2015. Collection method: clinical testing. Allele origin: germline. Inheritance: Autosomal dominant inheritance. Observed: 5 variant alleles, 5 heterozygotes.
Comment: This study involves interpretation of variants in research participants for the purpose of population health screening. Participant phenotype was not available at the time of variant classification. Additional details can be found in publication PMID: 35346344, PMCID: PMC8962531

Color Diagnostics, LLC DBA Color Health
Classification: Likely benign for Cardiomyopathy. Last evaluated: 2021-03-16. Review status: criteria provided, single submitter. Criteria: ACMG Guidelines, 2015. Collection method: clinical testing. Allele origin: germline.

ARUP Laboratories, Molecular Genetics and Genomics, ARUP Laboratories
Classification: Likely benign. Last evaluated: 2020-10-01. Review status: criteria provided, single submitter. Criteria: ARUP Molecular Germline Variant Investigation Process 2021. Collection method: clinical testing. Allele origin: germline.

GeneDx
Classification: Likely benign. Last evaluated: 2017-01-23. Review status: criteria provided, single submitter. Criteria: GeneDx Variant Classification (06012015). Collection method: clinical testing. Allele origin: germline. Affected: yes.
Comment: This variant is considered likely benign or benign based on one or more of the following criteria: it is a conservative change, it occurs at a poorly conserved position in the protein, it is predicted to be benign by multiple in silico algorithms, and/or has population frequency not consistent with disease.

Ambry Genetics
Classification: Likely benign for Cardiovascular phenotype. Last evaluated: 2016-10-20. Review status: criteria provided, single submitter. Criteria: Ambry Variant Classification Scheme 2023. Collection method: clinical testing. Allele origin: germline.

Laboratory for Molecular Medicine, Mass General Brigham Personalized Medicine
Classification: Likely benign. Last evaluated: 2012-03-19. Review status: criteria provided, single submitter. Criteria: LMM Criteria. Collection method: clinical testing. Allele origin: germline. Observed: 1 variant allele.
Comment: p.Asp4038Asp in Exon 90 of RYR2: This variant is not expected to have clinical s ignificance because it does not alter an amino acid residue, is not located with in the splice consensus sequence. It has been identified in 1/3090 African Ameri can chromosomes from a broad population by the NHLBI Exome Sequencing Project.

NM_001035.3(RYR2):c.12114T>C (p.Asp4038=)

Gene: RYR2 (ryanodine receptor 2; plus strand). Cytogenetic location: 1q43.
Variant type: single nucleotide variant.
Coding change: c.12114T>C on transcript NM_001035.3 (MANE Select); coding-DNA position 12114, T replaced by C.
Protein change: p.Asp4038=; no amino-acid change (aspartic acid 4038 retained).
Molecular consequence: synonymous variant.
Genome position (GRCh38, 1-based): chr1:237,783,826, T>C. VCF-style: chr1-237783826-T-C. GRCh37 (hg19) VCF-style: chr1-237947126-T-C.
Identifiers: ClinVar variation 178125 (VCV000178125.29), dbSNP rs368103385, ClinGen allele CA007338.
Genomic context (GRCh38, chr1:237,783,826, plus strand): 5'-CATGTTCTTAAAACTAAAGGATTTGACGTCGTCTGATACTTTTAAAGAATATGACCCCGA[T>C]GGCAAGGGAGTCATTTCCAAGAGGGACTTCCACAAAGCGATGGAGAGCCATAAGCACTAC-3'
Protein context (NP_001026.2, residues 4028-4048): SSDTFKEYDP[Asp4038=]GKGVISKRDF